The following is an entry in ClinVar:

NM_004035.7(ACOX1):c.44A>T (p.Asn15Ile)

Gene: ACOX1 (acyl-CoA oxidase 1; minus strand). Cytogenetic location: 17q25.1.
Variant type: single nucleotide variant.
Coding change: c.44A>T on transcript NM_004035.7 (MANE Select); coding-DNA position 44, A replaced by T.
Protein change: p.Asn15Ile; replaces asparagine 15 with isoleucine.
Molecular consequence: missense variant. On other transcripts: 5 prime UTR variant (1).
Genome position (GRCh38, 1-based): chr17:75,979,030, T>A on the plus strand (A>T on the coding strand, the complement: ACOX1 is on the minus strand). VCF-style: chr17-75979030-T-A. GRCh37 (hg19) VCF-style: chr17-73975111-T-A.
Other names: c.-245A>T (NM_001185039.2); c.44A>T, p.Asn15Ile (NM_007292.6); short protein forms N15I.
Identifiers: ClinVar variation 3615641 (VCV003615641.2).

ClinVar aggregate classification (germline): Uncertain significance (1 of 4 stars; one submission).

Conditions:
Acyl-CoA oxidase deficiency. Also called: Peroxisomal acyl-CoA oxidase deficiency; STRAIGHT-CHAIN ACYL-CoA OXIDASE DEFICIENCY; Pseudoneonatal adrenoleukodystrophy. Identifiers: Orphanet 2971, MedGen C1849678, MONDO:0009919, OMIM 264470. Disease mechanism: loss of function.

gnomAD v4.1: 2 of 1,612,446 alleles (0.00012%); highest among the groups gnomAD compares: African/African-American, 0.0027%; no homozygotes.

Submission:

Labcorp Genetics (formerly Invitae), Labcorp
Classification: Uncertain significance for Acyl-CoA oxidase deficiency. Last evaluated: 2024-05-02. Review status: criteria provided, single submitter. Criteria: Invitae Variant Classification Sherloc (09022015). Collection method: clinical testing. Allele origin: germline.
Comment: This sequence change replaces asparagine, which is neutral and polar, with isoleucine, which is neutral and non-polar, at codon 15 of the ACOX1 protein (p.Asn15Ile). This variant is not present in population databases (gnomAD no frequency). This variant has not been reported in the literature in individuals affected with ACOX1-related conditions. Advanced modeling of protein sequence and biophysical properties (such as structural, functional, and spatial information, amino acid conservation, physicochemical variation, residue mobility, and thermodynamic stability) performed at Invitae indicates that this missense variant is not expected to disrupt ACOX1 protein function with a negative predictive value of 80%. In summary, the available evidence is currently insufficient to determine the role of this variant in disease. Therefore, it has been classified as a Variant of Uncertain Significance.